The following is an entry in ClinVar:

ClinVar aggregate classification (germline): Conflicting classifications of pathogenicity. Review status: criteria provided, conflicting classifications (1 of 4 stars). 2 submissions from 2 submitters: Uncertain significance (1); Likely benign (1). Last evaluated 2026-02-03.

Allele frequency attached by ClinVar (database versions not stated): TOPMed 0.00001.
gnomAD v4.1: 4 of 1,210,245 alleles (0.00033%); highest among the groups gnomAD compares: Non-Finnish European, 0.00045%; no homozygotes.

Submissions (2):

Labcorp Genetics (formerly Invitae), Labcorp
Classification: Likely benign. Last evaluated: 2026-02-03. Review status: criteria provided, single submitter. Criteria: Invitae Variant Classification Sherloc (09022015). Collection method: clinical testing. Allele origin: germline.

Greenwood Genetic Center Diagnostic Laboratories, Greenwood Genetic Center
Classification: Uncertain significance. Last evaluated: 2025-01-08. Review status: criteria provided, single submitter. Criteria: ACMG Guidelines, 2015. Collection method: clinical testing. Allele origin: germline.
Comment: PM2, BP4

NM_031407.7(HUWE1):c.4615-7C>G

Gene: HUWE1 (HECT, UBA and WWE domain containing E3 ubiquitin protein ligase 1; minus strand). Cytogenetic location: Xp11.22.
Variant type: single nucleotide variant.
Coding change: c.4615-7C>G on transcript NM_031407.7 (MANE Select); 7 bases into the intron before coding-DNA position 4615, C replaced by G.
Molecular consequence: intron variant.
Genome position (GRCh38, 1-based): chrX:53,586,916, G>C on the plus strand (C>G on the coding strand, the complement: HUWE1 is on the minus strand). VCF-style: chrX-53586916-G-C. GRCh37 (hg19) VCF-style: chrX-53613876-G-C.
Identifiers: ClinVar variation 2721971 (VCV002721971.4), dbSNP rs782418974, ClinGen allele CA2429888121.